The following is an entry in ClinVar:

ClinVar aggregate classification (germline): Likely benign. Review status: criteria provided, multiple submitters, no conflicts (2 of 4 stars). 3 submissions from 3 submitters: Likely benign (3). Last evaluated 2026-01-15.

Conditions:
LRP5-related disorder. Also called: LRP5-related condition.

Allele frequency attached by ClinVar (database versions not stated): gnomAD 0.00004; gnomAD exomes 0.00004 and 0.00007; TOPMed 0.00004; ExAC 0.00005.
gnomAD v4.1: 112 of 1,613,762 alleles (0.0069%); highest among the groups gnomAD compares: Non-Finnish European, 0.0087%; no homozygotes.

Submissions (3):

Labcorp Genetics (formerly Invitae), Labcorp
Classification: Likely benign. Last evaluated: 2026-01-15. Review status: criteria provided, single submitter. Criteria: Invitae Variant Classification Sherloc (09022015). Collection method: clinical testing. Allele origin: germline.

PreventionGenetics, part of Exact Sciences
Classification: Likely benign for LRP5-related condition. Last evaluated: 2025-11-24. Review status: criteria provided, single submitter. Criteria: ACMG Guidelines, 2015. Collection method: clinical testing. Allele origin: germline.
Comment: This variant is classified as likely benign based on ACMG/AMP sequence variant interpretation guidelines (Richards et al. 2015 PMID: 25741868, with internal and published modifications).

Blueprint Genetics
Classification: Likely benign. Last evaluated: 2024-10-21. Review status: criteria provided, single submitter. Criteria: ACMG Guidelines, 2015. Collection method: clinical testing. Allele origin: germline.

NM_002335.4(LRP5):c.3291C>T (p.Ala1097=)

Gene: LRP5 (LDL receptor related protein 5; plus strand). Cytogenetic location: 11q13.2.
Variant type: single nucleotide variant.
Coding change: c.3291C>T on transcript NM_002335.4 (MANE Select); coding-DNA position 3291, C replaced by T.
Protein change: p.Ala1097=; no amino-acid change (alanine 1097 retained).
Molecular consequence: synonymous variant.
Genome position (GRCh38, 1-based): chr11:68,425,156, C>T. VCF-style: chr11-68425156-C-T. GRCh37 (hg19) VCF-style: chr11-68192624-C-T.
Other names: c.1548C>T, p.Ala516= (NM_001291902.2).
Identifiers: ClinVar variation 745741 (VCV000745741.10), dbSNP rs199822785, ClinGen allele CA6149938.